The following is an entry in ClinVar:

ClinVar aggregate classification (germline): Uncertain significance (1 of 4 stars; one submission).

Conditions:
Myopathy, centronuclear, 2 (CNM2). Also called: MYOTUBULAR MYOPATHY, AUTOSOMAL RECESSIVE. Identifiers: Orphanet 169186, MedGen CN031787, MONDO:0009709, OMIM 255200.

Allele frequency attached by ClinVar (database versions not stated): gnomAD exomes 0.00001 and below 0.00001.
gnomAD v4.1: 6 of 1,581,168 alleles (0.00038%); highest among the groups gnomAD compares: Non-Finnish European, 0.00052%; no homozygotes.

Submission:

Labcorp Genetics (formerly Invitae), Labcorp
Classification: Uncertain significance for Myopathy, centronuclear, 2. Last evaluated: 2021-08-10. Review status: criteria provided, single submitter. Criteria: Invitae Variant Classification Sherloc (09022015). Collection method: clinical testing. Allele origin: germline.
Comment: This sequence change replaces proline with serine at codon 318 of the BIN1 protein (p.Pro318Ser). The proline residue is moderately conserved and there is a moderate physicochemical difference between proline and serine. The frequency data for this variant in the population databases is considered unreliable, as metrics indicate poor data quality at this position in the ExAC database. This variant has not been reported in the literature in individuals affected with BIN1-related conditions. Algorithms developed to predict the effect of missense changes on protein structure and function (SIFT, PolyPhen-2, Align-GVGD) all suggest that this variant is likely to be tolerated. In summary, the available evidence is currently insufficient to determine the role of this variant in disease. Therefore, it has been classified as a Variant of Uncertain Significance.

NM_139343.3(BIN1):c.952C>T (p.Pro318Ser)

Gene: BIN1 (bridging integrator 1; minus strand). Cytogenetic location: 2q14.3.
Variant type: single nucleotide variant.
Coding change: c.952C>T on transcript NM_139343.3 (MANE Select); coding-DNA position 952, C replaced by T.
Protein change: p.Pro318Ser; replaces proline 318 with serine.
Molecular consequence: missense variant.
Genome position (GRCh38, 1-based): chr2:127,059,061, G>A on the plus strand (C>T on the coding strand, the complement: BIN1 is on the minus strand). VCF-style: chr2-127059061-G-A. GRCh37 (hg19) VCF-style: chr2-127816637-G-A.
Other names: c.859C>T, p.Pro287Ser (NM_139347.3, NM_139348.3, NM_139349.3 and 3 more transcripts); c.904C>T, p.Pro302Ser (NM_001320632.2, NM_004305.4, NM_139346.3); c.952C>T, p.Pro318Ser (NM_001320633.2, NM_001320640.2, NM_139344.3 and 1 more transcripts); c.787C>T, p.Pro263Ser (NM_001320634.1); c.871C>T, p.Pro291Ser (NM_001320642.1); short protein forms P287S, P302S, P318S, P263S, P291S.
Identifiers: ClinVar variation 1359524 (VCV001359524.6), dbSNP rs781377841, ClinGen allele CA1857229.